The following is an entry in ClinVar:

NM_001114748.2(TMEM240):c.335A>G (p.His112Arg)

Gene: TMEM240 (transmembrane protein 240; minus strand). Cytogenetic location: 1p36.33.
Variant type: single nucleotide variant.
Coding change: c.335A>G on transcript NM_001114748.2 (MANE Select); coding-DNA position 335, A replaced by G.
Protein change: p.His112Arg; replaces histidine 112 with arginine.
Molecular consequence: missense variant.
Genome position (GRCh38, 1-based): chr1:1,535,627, T>C on the plus strand (A>G on the coding strand, the complement: TMEM240 is on the minus strand). VCF-style: chr1-1535627-T-C. GRCh37 (hg19) VCF-style: chr1-1471007-T-C.
Other names: short protein forms H112R.
Identifiers: ClinVar variation 4536507 (VCV004536507.1).

ClinVar aggregate classification (germline): Uncertain significance (1 of 4 stars; one submission).

Submission:

GeneDx
Classification: Uncertain significance. Last evaluated: 2025-06-05. Review status: criteria provided, single submitter. Criteria: GeneDx Variant Classification Process June 2021. Collection method: clinical testing. Allele origin: germline. Affected: yes.
Comment: Not observed at significant frequency in large population cohorts (gnomAD); In silico analysis supports that this missense variant has a deleterious effect on protein structure/function; Has not been previously published as pathogenic or benign to our knowledge